The following is an entry in ClinVar:

ClinVar aggregate classification (germline): Likely pathogenic. Review status: criteria provided, multiple submitters, no conflicts (2 of 4 stars). 2 submissions from 2 submitters: Likely pathogenic (2). Last evaluated 2024-07-25.

Conditions:
Histiocytic medullary reticulosis. Also called: Omenn syndrome; SEVERE COMBINED IMMUNODEFICIENCY WITH HYPEREOSINOPHILIA. Identifiers: Orphanet 39041, MedGen C2700553, MONDO:0011338, OMIM 603554.

Submissions (2):

Natera, Inc.
Classification: Likely pathogenic for Omenn syndrome. Last evaluated: 2024-07-25. Review status: criteria provided, single submitter. Criteria: Natera Variant Classification Schema (03/2026). Collection method: clinical testing. Allele origin: germline.
Comment: The c.1043T>A variant in RAG2 is a nonsense variant predicted to introduce a stop codon at amino acid 348. This variant is expected to result in nonsense mediated decay, truncation, or a dysfunctional protein product. This variant is rare in the general population with a frequency below the threshold expected for the associated phenotype(s). Given the available evidence, this variant is classified as Likely Pathogenic.

Revvity Omics, Revvity
Classification: Likely pathogenic. Last evaluated: 2023-05-03. Review status: criteria provided, single submitter. Criteria: ACMG Guidelines, 2015. Collection method: clinical testing. Allele origin: germline.

NM_000536.4(RAG2):c.1043T>A (p.Leu348Ter)

Gene: RAG2 (recombination activating 2; minus strand). Cytogenetic location: 11p12.
Variant type: single nucleotide variant.
Coding change: c.1043T>A on transcript NM_000536.4 (MANE Select); coding-DNA position 1043, T replaced by A.
Protein change: p.Leu348Ter; replaces leucine 348 with a stop codon.
Molecular consequence: nonsense.
Genome position (GRCh38, 1-based): chr11:36,593,126, A>T on the plus strand (T>A on the coding strand, the complement: RAG2 is on the minus strand). VCF-style: chr11-36593126-A-T. GRCh37 (hg19) VCF-style: chr11-36614676-A-T.
Other names: c.1043T>A, p.Leu348Ter (NM_001243785.2, NM_001243786.2); c.1043T>A (NM_000536.3); short protein forms L348*.
Identifiers: ClinVar variation 2690685 (VCV002690685.3), dbSNP rs2494790882, ClinGen allele CA380141259.